The following is an entry in ClinVar:

ClinVar aggregate classification (germline): Pathogenic/Likely pathogenic. Review status: criteria provided, multiple submitters, no conflicts (2 of 4 stars). 2 submissions from 2 submitters: Pathogenic (1); Likely pathogenic (1). Last evaluated 2023-03-01.

Conditions:
Hereditary hemorrhagic telangiectasia (HHT). Also called: ORW DISEASE; Osler Weber Rendu syndrome; OSLER-RENDU-WEBER DISEASE; Osler hemorrhagic telangiectasia syndrome. Identifiers: Orphanet 774, MedGen C0039445, MONDO:0019180. Disease mechanism: loss of function.

Submissions (2):

Mayo Clinic Laboratories, Mayo Clinic
Classification: Likely pathogenic. Last evaluated: 2023-03-01. Review status: criteria provided, single submitter. Criteria: ACMG Guidelines, 2015. Collection method: clinical testing. Allele origin: germline. Observed: 1 variant allele.
Comment: PM2_supporting, PVS1

Labcorp Genetics (formerly Invitae), Labcorp
Classification: Pathogenic for Hereditary hemorrhagic telangiectasia. Last evaluated: 2022-04-07. Review status: criteria provided, single submitter. Criteria: Invitae Variant Classification Sherloc (09022015). Collection method: clinical testing. Allele origin: germline.
Comment: This premature translational stop signal has been observed in individual(s) with hereditary hemorrhagic telangiectasia (PMID: 20414677). For these reasons, this variant has been classified as Pathogenic. This variant is not present in population databases (gnomAD no frequency). This sequence change creates a premature translational stop signal (p.Pro296Serfs*37) in the ENG gene. It is expected to result in an absent or disrupted protein product. Loss-of-function variants in ENG are known to be pathogenic (PMID: 15879500).

Literature cited by the submitters: PubMed 20414677 (cited by Labcorp Genetics (formerly Invitae), Labcorp); PubMed 15879500 (cited by Labcorp Genetics (formerly Invitae), Labcorp).

NM_001114753.3(ENG):c.885_886del (p.Pro296fs)

Gene: ENG (endoglin; minus strand). Cytogenetic location: 9q34.11.
Variant type: Microsatellite.
Coding change: c.885_886del on transcript NM_001114753.3 (MANE Select); coding-DNA positions 885 to 886, 2 bases deleted (AC; older notation c.885_886delAC).
Protein change: p.Pro296fs; shifts the reading frame from proline 296.
Molecular consequence: frameshift variant.
Genome position (GRCh38, 1-based): chr9:127,824,905-127,824,906, GT deleted on the plus strand (AC on the coding strand, the reverse complement: ENG is on the minus strand); deleting any 2 consecutive bases within chr9:127,824,905-127,824,910 gives the same sequence; the c. name uses the placement nearest the transcript's 3' end. VCF-style (leftmost placement, unchanged base first): chr9-127824904-GGT-G. GRCh37 (hg19) VCF-style: chr9-130587183-GGT-G.
Other names: p.Pro296Serfs*37; c.885_886del (NM_001114753.2); c.881_882AC[2], p.Pro296Serfs (NM_000118.4, NM_001114753.2, NM_001406715.1); c.339_340del, p.Pro114fs (NM_001278138.2); short protein forms P114fs, P296fs.
Identifiers: ClinVar variation 2180401 (VCV002180401.5), dbSNP rs2539073079, ClinGen allele CA2580616313.